The following is an entry in ClinVar:

NM_213599.3(ANO5):c.139-1del

Gene: ANO5 (anoctamin 5; plus strand). Cytogenetic location: 11p14.3.
Variant type: Deletion.
Coding change: c.139-1del on transcript NM_213599.3 (MANE Select); the canonical splice acceptor site of the intron before coding-DNA position 139, one base deleted (G; older notation c.139-1delG).
Molecular consequence: splice acceptor variant. On other transcripts: intron variant (2).
Genome position (GRCh38, 1-based): chr11:22,218,245, G deleted. VCF-style (leftmost placement, unchanged base first): chr11-22218244-AG-A. GRCh37 (hg19) VCF-style: chr11-22239790-AG-A.
Other names: c.139-2852del (NM_001410963.1); c.136-1del (NM_001142649.2); c.136-2852del (NM_001410964.1); c.139-1delG (NM_213599.2).
Identifiers: ClinVar variation 286467 (VCV000286467.24), dbSNP rs868484837, ClinGen allele CA10605474.

ClinVar aggregate classification (germline): Uncertain significance. Review status: reviewed by expert panel (3 of 4 stars). 9 submissions from 9 submitters: Uncertain significance (1). 8 of the submissions do not count toward it. Last evaluated 2025-01-07.

Conditions:
Gnathodiaphyseal dysplasia (GDD). Also called: GNATHODIAPHYSEAL SCLEROSIS; OSTEOGENESIS IMPERFECTA WITH UNUSUAL SKELETAL LESIONS. Identifiers: Orphanet 53697, MedGen C1833736, MONDO:0008151, OMIM 166260.
Autosomal recessive limb-girdle muscular dystrophy type 2L (LGMDR12). Also called: Limb-girdle muscular dystrophy, type 2L; Limb-Girdle Muscular Dystrophy R12 Anoctamin-5-Related (LGMD-R12); MUSCULAR DYSTROPHY, LIMB-GIRDLE, AUTOSOMAL RECESSIVE 12. Identifiers: Orphanet 206549, MedGen C1969785, MONDO:0012652, OMIM 611307.
ANO5-related disorder. Also called: ANO5-related disorders; ANO5-related condition. Identifiers: MedGen CN239193.
Autosomal recessive limb-girdle muscular dystrophy. Identifiers: Orphanet 102015, MedGen C2931907, MONDO:0015152.
Miyoshi muscular dystrophy 3 (MMD3). Also called: Miyoshi Muscular Dystrophy 3 (MMD3); Miyoshi myopathy 3. Identifiers: Orphanet 399096, MedGen C2750076, MONDO:0013222, OMIM 613319.

Allele frequency attached by ClinVar (database versions not stated): gnomAD exomes below 0.00001 and 0.00002; TOPMed below 0.00001; gnomAD 0.00001; ESP Exome Variant Server 0.00008.

Submissions (9):

ClinGen Limb Girdle Muscular Dystrophy Variant Curation Expert Panel, ClinGen
Classification: Uncertain significance for Autosomal recessive limb-girdle muscular dystrophy. Last evaluated: 2025-01-07. Review status: reviewed by expert panel. Criteria: ClinGen LGMD VCEP ACMG Specifications ANO5 V1.0.0. Collection method: curation. Allele origin: germline. Inheritance: Autosomal recessive inheritance.
Comment: The NM_213599.3: c.139-1del variant in ANO5 occurs within the canonical splice acceptor site (-1, -2 dinucleotide) of intron 3. It is predicted to cause skipping of biologically relevant exon 4/22, resulting in an in-frame deletion of exon 4 (42 amino acids) and premature truncation of <10% the protein (PVS1_Moderate). This variant has been observed in the heterozygous state in at least five individuals with a clinical suspicion of LGMD, but no other variants in ANO5 were identified in these individuals (PMID: 30564623; ClinVar SCV000570206.4 internal data communication, ClinVar SCV000933284.6 internal data communication) (PM3 not met). The filtering allele frequency of this variant is 0.000031407 (the upper threshold of the 95% CI of 25/1111726 exome chromosomes) in the European (non-Finnish) population in gnomAD v4.1.0, which is less than the ClinGen LGMD VCEP threshold ≤0.0001 for PM2_Supporting, meeting this criterion (PM2_Supporting). In summary, due to the limited evidence available, this variant is classified as a variant of uncertain significance for autosomal recessive limb girdle muscular dystrophy based on the ACMG/AMP criteria applied, as specified by the ClinGen LGMD VCEP (LGMD VCEP specifications version 1.0.0; 01/07/2025): PVS1_Moderate, PM2_Supporting.

Labcorp Genetics (formerly Invitae), Labcorp
Classification: Likely pathogenic for Autosomal recessive limb-girdle muscular dystrophy type 2L; Gnathodiaphyseal dysplasia. Last evaluated: 2025-11-18. Review status: criteria provided, single submitter. Criteria: Invitae Variant Classification Sherloc (09022015). Collection method: clinical testing. Allele origin: germline. Not counted in ClinVar's aggregate classification.
Comment: This sequence change affects a splice site in intron 3 of the ANO5 gene. It is expected to disrupt RNA splicing. Variants that disrupt the donor or acceptor splice site typically lead to a loss of protein function (PMID: 16199547), and loss-of-function variants in ANO5 are known to be pathogenic (PMID: 21186264, 23606453, 25891276, 30919934). This variant is present in population databases (no rsID available, gnomAD 0.01%). This variant has not been reported in the literature in individuals affected with ANO5-related conditions. ClinVar contains an entry for this variant (Variation ID: 286467). Algorithms developed to predict the effect of sequence changes on RNA splicing suggest that this variant may disrupt the consensus splice site. In summary, the currently available evidence indicates that the variant is pathogenic, but additional data are needed to prove that conclusively. Therefore, this variant has been classified as Likely Pathogenic.

GeneDx
Classification: Likely pathogenic. Last evaluated: 2025-09-30. Review status: criteria provided, single submitter. Criteria: GeneDx Variant Classification Process June 2021. Collection method: clinical testing. Allele origin: germline. Affected: yes. Not counted in ClinVar's aggregate classification.
Comment: Canonical splice site variant predicted to result in an in-frame loss of the adjacent exon in a gene for which loss of function is a known mechanism of disease; Not observed at significant frequency in large population cohorts (gnomAD); Has not been previously published as pathogenic or benign to our knowledge; This variant is associated with the following publications: (PMID: 32242007)

Athena Diagnostics
Classification: Uncertain significance. Last evaluated: 2025-08-26. Review status: criteria provided, single submitter. Criteria: Athena Diagnostics Criteria. Collection method: clinical testing. Allele origin: unknown. Not counted in ClinVar's aggregate classification.
Comment: Available data are insufficient to determine the clinical significance of the variant at this time. The frequency of this variant in the general population is uninformative in assessment of its pathogenicity. This variant is not expected to cause loss of protein expression through nonsense-mediated decay. However, it may still disrupt protein function. This variant has been identified in at least one individual with clinical features associated with this gene.

Revvity Omics, Revvity
Classification: Uncertain significance. Last evaluated: 2025-06-06. Review status: criteria provided, single submitter. Criteria: ACMG Guidelines, 2015. Collection method: clinical testing. Allele origin: germline. Not counted in ClinVar's aggregate classification.

Blueprint Genetics
Classification: Likely pathogenic for ANO5-related disorders. Last evaluated: 2024-07-01. Review status: criteria provided, single submitter. Criteria: ACMG Guidelines, 2015. Collection method: clinical testing. Allele origin: germline. Affected: yes. Observed: 3 variant alleles. Not counted in ClinVar's aggregate classification.

Fulgent Genetics
Classification: Likely pathogenic for Gnathodiaphyseal dysplasia; Autosomal recessive limb-girdle muscular dystrophy type 2L; Miyoshi muscular dystrophy 3. Last evaluated: 2024-03-03. Review status: criteria provided, single submitter. Criteria: ACMG Guidelines, 2015. Collection method: clinical testing. Allele origin: germline. Not counted in ClinVar's aggregate classification.

Victorian Clinical Genetics Services, Murdoch Childrens Research Institute
Classification: Likely pathogenic for Autosomal recessive limb-girdle muscular dystrophy type 2L. Last evaluated: 2021-05-06. Review status: criteria provided, single submitter. Criteria: ACMG Guidelines, 2015. Collection method: clinical testing. Allele origin: germline. Not counted in ClinVar's aggregate classification.
Comment: Based on the classification scheme VCGS_Germline_v1.3.4, this variant is classified as Likely Pathogenic. Following criteria are met: 0102 - Loss of function is a known mechanism of disease in this gene and is associated with Miyoshi muscular dystrophy (MIM#613319) and muscular dystrophy, limb-girdle (MIM#611307). The mechanism behind gnathodiaphyseal dysplasia (MIM#166260) remains unknown (PMID: 32112655). (I) 0108 - This gene is associated with both recessive and dominant disease. Only missense variants have been reported for gnathodiaphyseal dysplasia (MIM#166260). (I) 0115 - Variants in this gene are known to have variable expressivity (PMID: 22402862). (I) 0211 - Canonical splice site variant without proven consequence on splicing (no functional evidence available). (SP) 0251 - This variant is heterozygous. (I) 0304 - Variant is present in gnomAD <0.01 (v2: 3 heterozygotes, 0 homozygotes). (SP) 0505 - Abnormal splicing is predicted by in silico tools and affected nucleotide is highly conserved. (SP) 0705 - No comparable splice site variants have previous evidence for pathogenicity. However, a deep intronic variant of c.139-59dup was identified in a limb girdle patient. The authors have classified this variant as a VUS and the 2nd allele remains unknown (PMID: 23606453). (I) 0802 - This variant has moderate previous evidence of pathogenicity in unrelated individuals. It has been classified as both likely pathogenic and pathogenic by diagnostic laboratories in ClinVar. (SP) 0905 - No published segregation evidence has been identified for this variant. (I) 1007 - No published functional evidence has been identified for this variant. (I) Legend: (SP) - Supporting pathogenic, (I) - Information, (SB) - Supporting benign

Eurofins Ntd Llc (ga)
Classification: Pathogenic. Last evaluated: 2017-03-13. Review status: criteria provided, single submitter. Criteria: EGL Classification Definitions 2015. Collection method: clinical testing. Allele origin: germline. Observed: 2 variant alleles, 2 heterozygotes. Not counted in ClinVar's aggregate classification.

Literature cited by the submitters: PubMed 16199547 (cited by Labcorp Genetics (formerly Invitae), Labcorp); PubMed 21186264 (cited by Labcorp Genetics (formerly Invitae), Labcorp); PubMed 23606453 (cited by Labcorp Genetics (formerly Invitae), Labcorp and Victorian Clinical Genetics Services, Murdoch Childrens Research Institute); PubMed 25891276 (cited by Labcorp Genetics (formerly Invitae), Labcorp); PubMed 30919934 (cited by Labcorp Genetics (formerly Invitae), Labcorp); PubMed 22402862 (cited by Victorian Clinical Genetics Services, Murdoch Childrens Research Institute); PubMed 32112655 (cited by Victorian Clinical Genetics Services, Murdoch Childrens Research Institute).